The following is an entry in ClinVar:

ClinVar aggregate classification (germline): Uncertain significance. Review status: criteria provided, multiple submitters, no conflicts (2 of 4 stars). 2 submissions from 2 submitters: Uncertain significance (2). Last evaluated 2025-10-21.

Conditions:
TP63-Related Spectrum Disorders.
TP63-related disorder. Also called: TP63-related condition; TP63-Related Disorders. Identifiers: MedGen CN380159.

Allele frequency attached by ClinVar (database versions not stated): gnomAD exomes 0.00001; TOPMed 0.00003.
gnomAD v4.1: 7 of 1,614,014 alleles (0.00043%); highest among the groups gnomAD compares: Admixed American, 0.0083%; no homozygotes.

Submissions (2):

PreventionGenetics, part of Exact Sciences
Classification: Uncertain significance for TP63-related condition. Last evaluated: 2025-10-21. Review status: criteria provided, single submitter. Criteria: ACMG Guidelines, 2015. Collection method: clinical testing. Allele origin: germline.
Comment: The TP63 c.1369T>C variant is predicted to result in the amino acid substitution p.Ser457Pro. To our knowledge, this variant has not been reported in the literature. This variant is reported in 0.0029% of alleles in individuals of Latino descent in gnomAD. At this time, the clinical significance of this variant is uncertain due to the absence of conclusive functional and genetic evidence.

Labcorp Genetics (formerly Invitae), Labcorp
Classification: Uncertain significance. Last evaluated: 2024-11-21. Review status: criteria provided, single submitter. Criteria: Invitae Variant Classification Sherloc (09022015). Collection method: clinical testing. Allele origin: germline.
Comment: This sequence change replaces serine, which is neutral and polar, with proline, which is neutral and non-polar, at codon 457 of the TP63 protein (p.Ser457Pro). This variant is present in population databases (no rsID available, gnomAD 0.003%). This variant has not been reported in the literature in individuals affected with TP63-related conditions. ClinVar contains an entry for this variant (Variation ID: 3008116). Invitae Evidence Modeling of protein sequence and biophysical properties (such as structural, functional, and spatial information, amino acid conservation, physicochemical variation, residue mobility, and thermodynamic stability) indicates that this missense variant is not expected to disrupt TP63 protein function with a negative predictive value of 80%. In summary, the available evidence is currently insufficient to determine the role of this variant in disease. Therefore, it has been classified as a Variant of Uncertain Significance.

NM_003722.5(TP63):c.1369T>C (p.Ser457Pro)

Gene: TP63 (tumor protein p63; plus strand). Cytogenetic location: 3q28.
Variant type: single nucleotide variant.
Coding change: c.1369T>C on transcript NM_003722.5 (MANE Select); coding-DNA position 1369, T replaced by C.
Protein change: p.Ser457Pro; replaces serine 457 with proline.
Molecular consequence: missense variant.
Genome position (GRCh38, 1-based): chr3:189,886,413, T>C. VCF-style: chr3-189886413-T-C. GRCh37 (hg19) VCF-style: chr3-189604202-T-C.
Other names: c.1369T>C (NM_003722.4); c.1369T>C, p.Ser457Pro (NM_001114978.2, NM_001329144.2); c.1087T>C, p.Ser363Pro (NM_001114980.2, NM_001114981.2, NM_001329145.2); c.832T>C, p.Ser278Pro (NM_001329146.2); c.1357T>C, p.Ser453Pro (NM_001329148.2); c.1075T>C, p.Ser359Pro (NM_001329149.2); c.820T>C, p.Ser274Pro (NM_001329150.2); c.1363T>C, p.Ser455Pro (NM_001329964.2); short protein forms S274P, S453P, S363P, S278P, S359P, S455P, S457P.
Identifiers: ClinVar variation 3008116 (VCV003008116.3), dbSNP rs577715207, ClinGen allele CA355757280.